The following is an entry in ClinVar:

NM_005124.4(NUP153):c.95G>A (p.Gly32Glu)

Genes: NUP153 (nucleoporin 153; minus strand), NUP153-AS1 (NUP153 antisense RNA 1; plus strand). Cytogenetic location: 6p22.3.
Variant type: single nucleotide variant.
Coding change: c.95G>A on transcript NM_005124.4 (MANE Select); coding-DNA position 95, G replaced by A.
Protein change: p.Gly32Glu; replaces glycine 32 with glutamic acid.
Molecular consequence: missense variant. On other transcripts: non-coding transcript variant (1).
Genome position (GRCh38, 1-based): chr6:17,706,293, C>T on the plus strand (G>A on the coding strand, the complement: NUP153 is on the minus strand). VCF-style: chr6-17706293-C-T. GRCh37 (hg19) VCF-style: chr6-17706524-C-T.
Other names: c.95G>A, p.Gly32Glu (NM_001278209.2, NM_001278210.2); short protein forms G32E.
Identifiers: ClinVar variation 773466 (VCV000773466.27), dbSNP rs61746226, ClinGen allele CA3648170.

ClinVar aggregate classification (germline): Benign/Likely benign. Review status: criteria provided, multiple submitters, no conflicts (2 of 4 stars). 2 submissions from 2 submitters: Benign (1); Likely benign (1). Last evaluated 2023-04-01.

Allele frequency attached by ClinVar (database versions not stated): 1000 Genomes Project 30x 0.00203; 1000 Genomes Project 0.00220; TOPMed 0.00445; gnomAD 0.00512 and 0.00537; gnomAD exomes 0.00522 and 0.00827; ExAC 0.00528; ESP Exome Variant Server 0.00669.
gnomAD v4.1: 12,715 of 1,613,470 alleles (0.79%); highest among the groups gnomAD compares: Non-Finnish European, 0.97%; 65 homozygotes.

Submissions (2):

CeGaT Center for Human Genetics Tuebingen
Classification: Likely benign. Last evaluated: 2023-04-01. Review status: criteria provided, single submitter. Criteria: CeGaT Center For Human Genetics Tuebingen Variant Classification Criteria Version 2. Collection method: clinical testing. Allele origin: germline. Affected: yes. Observed: 1 variant allele.
Comment: NUP153: BS2

Labcorp Genetics (formerly Invitae), Labcorp
Classification: Benign. Last evaluated: 2018-02-09. Review status: criteria provided, single submitter. Criteria: Invitae Variant Classification Sherloc (09022015). Collection method: clinical testing. Allele origin: germline.